The following is an entry in ClinVar:

NC_000017.10:g.(?_71195984)_(71199305_?)del

Gene: COG1 (component of oligomeric golgi complex 1; plus strand). Cytogenetic location: 17q25.1.
Variant type: Deletion.
Identifiers: ClinVar variation 3243069 (VCV003243069.1).

ClinVar aggregate classification (germline): Pathogenic (1 of 4 stars; one submission).

Conditions:
COG1 congenital disorder of glycosylation (CDG2G). Also called: CONGENITAL DISORDER OF GLYCOSYLATION, TYPE IIg; CDG IIg; CDGII/COG1 CEREBROCOSTOMANDIBULAR-LIKE SYNDROME. Identifiers: Orphanet 263508, MedGen C2931011, MONDO:0012637, OMIM 611209.

Submission:

Labcorp Genetics (formerly Invitae), Labcorp
Classification: Pathogenic for COG1 congenital disorder of glycosylation. Last evaluated: 2022-12-14. Review status: criteria provided, single submitter. Criteria: Invitae Variant Classification Sherloc (09022015). Collection method: clinical testing. Allele origin: unknown.
Comment: For these reasons, this variant has been classified as Pathogenic. This variant has not been reported in the literature in individuals affected with COG1-related conditions. This variant is a gross deletion of the genomic region encompassing exon(s) 5-8 of the COG1 gene. This deletion is out-of-frame, and is expected to create a premature termination codon and result in an absent or disrupted protein product. Loss-of-function variants in COG1 are known to be pathogenic (PMID: 16537452).

Literature cited by the submitters: PubMed 16537452.